The following is an entry in ClinVar:

ClinVar aggregate classification (germline): Uncertain significance (1 of 4 stars; one submission).

gnomAD v4.1: 4 of 1,614,088 alleles (0.00025%); highest among the groups gnomAD compares: Non-Finnish European, 0.00034%; no homozygotes.

Submission:

Ambry Genetics
Classification: Uncertain significance. Last evaluated: 2021-05-14. Review status: criteria provided, single submitter. Criteria: Ambry Variant Classification Scheme 2023. Collection method: clinical testing. Allele origin: germline.
Comment: The p.P136L variant (also known as c.407C>T), located in coding exon 2 of the GALNT12 gene, results from a C to T substitution at nucleotide position 407. The proline at codon 136 is replaced by leucine, an amino acid with similar properties. This amino acid position is highly conserved in available vertebrate species. In addition, this alteration is predicted to be deleterious by in silico analysis. Since supporting evidence is limited at this time, the clinical significance of this alteration remains unclear.

NM_024642.5(GALNT12):c.407C>T (p.Pro136Leu)

Gene: GALNT12 (polypeptide N-acetylgalactosaminyltransferase 12; plus strand). Cytogenetic location: 9q22.33.
Variant type: single nucleotide variant.
Coding change: c.407C>T on transcript NM_024642.5 (MANE Select); coding-DNA position 407, C replaced by T.
Protein change: p.Pro136Leu; replaces proline 136 with leucine.
Molecular consequence: missense variant.
Genome position (GRCh38, 1-based): chr9:98,823,291, C>T. VCF-style: chr9-98823291-C-T. GRCh37 (hg19) VCF-style: chr9-101585573-C-T.
Other names: short protein forms P136L.
Identifiers: ClinVar variation 1737611 (VCV001737611.2), dbSNP rs2118354733, ClinGen allele CA374216584.